The following is an entry in ClinVar:

ClinVar aggregate classification (germline): Uncertain significance (1 of 4 stars; one submission).

Allele frequency attached by ClinVar (database versions not stated): gnomAD exomes below 0.00001; ExAC 0.00001.
gnomAD v4.1: 1 of 1,614,216 alleles (0.000062%); highest among the groups gnomAD compares: Admixed American, 0.0017%; no homozygotes.

Submission:

Labcorp Genetics (formerly Invitae), Labcorp
Classification: Uncertain significance. Last evaluated: 2023-01-17. Review status: criteria provided, single submitter. Criteria: Invitae Variant Classification Sherloc (09022015). Collection method: clinical testing. Allele origin: germline.
Comment: In summary, the available evidence is currently insufficient to determine the role of this variant in disease. Therefore, it has been classified as a Variant of Uncertain Significance. Advanced modeling of protein sequence and biophysical properties (such as structural, functional, and spatial information, amino acid conservation, physicochemical variation, residue mobility, and thermodynamic stability) performed at Invitae indicates that this missense variant is not expected to disrupt SRCAP protein function. This variant has not been reported in the literature in individuals affected with SRCAP-related conditions. This variant is present in population databases (rs753339410, gnomAD 0.003%). This sequence change replaces glutamic acid, which is acidic and polar, with lysine, which is basic and polar, at codon 401 of the SRCAP protein (p.Glu401Lys).

NM_006662.3(SRCAP):c.1201G>A (p.Glu401Lys)

Gene: SRCAP (Snf2 related CREBBP activator protein; plus strand). Cytogenetic location: 16p11.2.
Variant type: single nucleotide variant.
Coding change: c.1201G>A on transcript NM_006662.3 (MANE Select); coding-DNA position 1201, G replaced by A.
Protein change: p.Glu401Lys; replaces glutamic acid 401 with lysine.
Molecular consequence: missense variant.
Genome position (GRCh38, 1-based): chr16:30,710,820, G>A. VCF-style: chr16-30710820-G-A. GRCh37 (hg19) VCF-style: chr16-30722141-G-A.
Other names: short protein forms E401K.
Identifiers: ClinVar variation 2825962 (VCV002825962.3), dbSNP rs753339410, ClinGen allele CA8010901.